The following is an entry in ClinVar:

NM_006218.4(PIK3CA):c.2294+5T>C

Gene: PIK3CA (phosphatidylinositol-4,5-bisphosphate 3-kinase catalytic subunit alpha; plus strand). Cytogenetic location: 3q26.32.
Variant type: single nucleotide variant.
Coding change: c.2294+5T>C on transcript NM_006218.4 (MANE Select); 5 bases into the intron after coding-DNA position 2294, T replaced by C.
Molecular consequence: intron variant.
Genome position (GRCh38, 1-based): chr3:179,224,192, T>C. VCF-style: chr3-179224192-T-C. GRCh37 (hg19) VCF-style: chr3-178941980-T-C.
Other names: c.2294+5T>C (LRG_310t1).
Identifiers: ClinVar variation 660277 (VCV000660277.9), dbSNP rs1265140191, ClinGen allele CA547861576.

ClinVar aggregate classification (germline): Uncertain significance (1 of 4 stars; one submission).

Conditions:
Cowden syndrome (CS). Also called: Cowden's disease; Cowden's syndrome; Cowden disease. Identifiers: Orphanet 201, MedGen C0018553, MONDO:0016063. Disease mechanism: gain of function.

Allele frequency attached by ClinVar (database versions not stated): gnomAD exomes below 0.00001; TOPMed below 0.00001; gnomAD 0.00001.
gnomAD v4.1: 3 of 1,417,804 alleles (0.00021%); highest among the groups gnomAD compares: Non-Finnish European, 0.0003%; no homozygotes.

Submission:

Labcorp Genetics (formerly Invitae), Labcorp
Classification: Uncertain significance for Cowden syndrome. Last evaluated: 2018-08-16. Review status: criteria provided, single submitter. Criteria: Invitae Variant Classification Sherloc (09022015). Collection method: clinical testing. Allele origin: germline.
Comment: This sequence change falls in intron 15 of the PIK3CA gene. It does not directly change the encoded amino acid sequence of the PIK3CA protein, but it affects a nucleotide within the consensus splice site of the intron. This variant is not present in population databases (ExAC no frequency). This variant has not been reported in the literature in individuals with PIK3CA-related disease. Nucleotide substitutions within the consensus splice site are a relatively common cause of aberrant splicing (PMID: 17576681, 9536098). Algorithms developed to predict the effect of sequence changes on RNA splicing suggest that this variant is not likely to affect RNA splicing, but this prediction has not been confirmed by published transcriptional studies. In summary, the available evidence is currently insufficient to determine the role of this variant in disease. Therefore, it has been classified as a Variant of Uncertain Significance.

Literature cited by the submitters: PubMed 17576681; PubMed 9536098.